The following is an entry in ClinVar:

NM_001012759.3(CTU2):c.1439C>T (p.Pro480Leu)

Gene: CTU2 (cytosolic thiouridylase subunit 2; plus strand). Cytogenetic location: 16q24.3.
Variant type: single nucleotide variant.
Coding change: c.1439C>T on transcript NM_001012759.3 (MANE Select); coding-DNA position 1439, C replaced by T.
Protein change: p.Pro480Leu; replaces proline 480 with leucine.
Molecular consequence: missense variant. On other transcripts: intron variant (1).
Genome position (GRCh38, 1-based): chr16:88,715,067, C>T. VCF-style: chr16-88715067-C-T. GRCh37 (hg19) VCF-style: chr16-88781475-C-T.
Other names: c.1652C>T, p.Pro551Leu (NM_001318507.2); c.1178C>T, p.Pro393Leu (NM_001318513.2); c.1420-115C>T (NM_001012762.3); short protein forms P551L, P480L, P393L.
Identifiers: ClinVar variation 4751023 (VCV004751023.2).

ClinVar aggregate classification (germline): Uncertain significance. Review status: criteria provided, multiple submitters, no conflicts (2 of 4 stars). 2 submissions from 2 submitters: Uncertain significance (2). Last evaluated 2025-09-05.

Submissions (2):

Labcorp Genetics (formerly Invitae), Labcorp
Classification: Uncertain significance. Last evaluated: 2025-09-05. Review status: criteria provided, single submitter. Criteria: Invitae Variant Classification Sherloc (09022015). Collection method: clinical testing. Allele origin: germline.
Comment: This sequence change replaces proline, which is neutral and non-polar, with leucine, which is neutral and non-polar, at codon 480 of the CTU2 protein (p.Pro480Leu). This variant is present in population databases (rs200779411, gnomAD 0.06%). This variant has not been reported in the literature in individuals affected with CTU2-related conditions. Invitae Evidence Modeling of protein sequence and biophysical properties (such as structural, functional, and spatial information, amino acid conservation, physicochemical variation, residue mobility, and thermodynamic stability) indicates that this missense variant is expected to disrupt CTU2 protein function with a positive predictive value of 80%. In summary, the available evidence is currently insufficient to determine the role of this variant in disease. Therefore, it has been classified as a Variant of Uncertain Significance.

Blueprint Genetics
Classification: Uncertain significance. Last evaluated: 2023-09-14. Review status: criteria provided, single submitter. Criteria: ACMG Guidelines, 2015. Collection method: clinical testing. Allele origin: germline.